The following is an entry in ClinVar:

NM_001018005.2(TPM1):c.499dup (p.Arg167fs)

Gene: TPM1 (tropomyosin 1; plus strand). Cytogenetic location: 15q22.2.
Variant type: Duplication.
Coding change: c.499dup on transcript NM_001018005.2 (MANE Select); coding-DNA position 499, one base duplicated (C; older notation c.499dupC).
Protein change: p.Arg167fs; shifts the reading frame from arginine 167.
Molecular consequence: frameshift variant.
Genome position (GRCh38, 1-based): chr15:63,060,875, C duplicated; the last of 3 consecutive C bases (chr15:63,060,873-63,060,875); duplicating any one gives the same sequence. VCF-style (leftmost placement, unchanged base first): chr15-63060872-G-GC. GRCh37 (hg19) VCF-style: chr15-63353071-G-GC.
Other names: c.499dup, p.Arg167fs (NM_000366.6, NM_001018004.2, NM_001018006.2 and 6 more transcripts); c.391dup, p.Arg131fs (NM_001018008.2, NM_001301289.2, NM_001330344.2 and 5 more transcripts); c.625dup, p.Arg209fs (NM_001365778.1); c.499dupC (NM_001018005.1); short protein forms R209fs, R167fs, R131fs.
Identifiers: ClinVar variation 644103 (VCV000644103.9), dbSNP rs1596377768, ClinGen allele CA915946017.
Genomic context (GRCh38, chr15:63,060,872, plus strand): 5'-TCTGTTACACAAAGCTTGCAAGACCCATGGTGTGTGTGTTGTGTCTTCCTGCTGCAGGTG[G>GC]CCCGTAAGCTGGTCATCATTGAGAGCGACCTGGAACGTGCAGAGGAGCGGGCTGAGCTCT-3'

ClinVar aggregate classification (germline): Uncertain significance. Review status: criteria provided, multiple submitters, no conflicts (2 of 4 stars). 3 submissions from 3 submitters: Uncertain significance (3). Last evaluated 2023-12-07.

Conditions:
Hypertrophic cardiomyopathy. Also called: HYPERTROPHIC MYOCARDIOPATHY. Identifiers: Orphanet 217569, MedGen C0007194, MeSH D002312, MONDO:0005045, HP:0001639.
Cardiovascular phenotype. Identifiers: MedGen CN230736.

Submissions (3):

All of Us Research Program, National Institutes of Health
Classification: Uncertain significance for Hypertrophic cardiomyopathy. Last evaluated: 2023-12-07. Review status: criteria provided, single submitter. Criteria: ACMG Guidelines, 2015. Collection method: clinical testing. Allele origin: germline. Inheritance: Autosomal dominant inheritance. Observed: 1 variant allele, 1 heterozygote.
Comment: This study involves interpretation of variants in research participants for the purpose of population health screening. Participant phenotype was not available at the time of variant classification. Additional details can be found in publication PMID: 35346344, PMCID: PMC8962531

Ambry Genetics
Classification: Uncertain significance for Cardiovascular phenotype. Last evaluated: 2020-10-13. Review status: criteria provided, single submitter. Criteria: Ambry Variant Classification Scheme 2023. Collection method: clinical testing. Allele origin: germline.
Comment: The c.499dupC variant, located in coding exon 5 of the TPM1 gene, results from a duplication of C at nucleotide position 499, causing a translational frameshift with a predicted alternate stop codon (p.R167Pfs*2). This alteration is expected to result in premature protein truncation or nonsense-mediated mRNA decay. However, loss of function of TPM1 has not been clearly established as a mechanism of disease. Since supporting evidence is limited at this time, the clinical significance of this alteration remains unclear.

Labcorp Genetics (formerly Invitae), Labcorp
Classification: Uncertain significance for Hypertrophic cardiomyopathy. Last evaluated: 2018-10-26. Review status: criteria provided, single submitter. Criteria: Invitae Variant Classification Sherloc (09022015). Collection method: clinical testing. Allele origin: germline.
Comment: In summary, the available evidence is currently insufficient to determine the role of this variant in disease. Therefore, it has been classified as a Variant of Uncertain Significance. The current clinical and genetic evidence is not sufficient to establish whether loss-of-function variants in TPM1 cause disease. This variant has not been reported in the literature in individuals with TPM1-related disease. This variant is not present in population databases (ExAC no frequency). This sequence change creates a premature translational stop signal (p.Arg167Profs*2) in the TPM1 gene. It is expected to result in an absent or disrupted protein product.